The following is an entry in ClinVar:

ClinVar aggregate classification (germline): Uncertain significance (1 of 4 stars; one submission).

Conditions:
Autosomal recessive nonsyndromic hearing loss 18A. Also called: DEAFNESS, AUTOSOMAL RECESSIVE 18; Deafness, autosomal recessive 18A. Identifiers: Orphanet 90636, MedGen C1865870, MONDO:0011192, OMIM 602092.

gnomAD v4.1: 3 of 1,575,130 alleles (0.00019%); highest among the groups gnomAD compares: Middle Eastern, 0.017%; no homozygotes.

Submission:

Victorian Clinical Genetics Services, Murdoch Childrens Research Institute
Classification: Uncertain significance for Autosomal recessive nonsyndromic hearing loss 18A. Last evaluated: 2023-07-17. Review status: criteria provided, single submitter. Criteria: ACMG Guidelines, 2015. Collection method: clinical testing. Allele origin: germline. Inheritance: Autosomal recessive inheritance. Affected: no.
Comment: Based on the classification scheme VCGS_Germline_v1.3.4, this variant is classified as VUS-3B. Following criteria are met: 0102 - Loss of function is a known mechanism of disease in this gene and is associated with autosomal recessive deafness 18A (MIM#602092) and Usher syndrome, type 1C (MIM#276904). Dominant negative is a suggested mechanism for rare autosomal dominant non-syndromic hearing loss (NSHL) (PMID: 31858762). (I) 0106 - This gene is associated with autosomal recessive disease. A single, large family with a heterozygous missense variant has been reported with autosomal dominant NSHL (PMID: 31858762). (I) 0211 - Canonical splice site variant without proven consequence on splicing (no functional evidence available). (SP) 0219 - This variant is non-coding in an alternative transcript. This variant is in a splice region in one transcript, NM_153676.3, which is the MANE select and ClinVar predominant transcript. The variant is deep intronic in the other three transcripts including the MANE-plus clinical transcript. GTEx indicates that NM_153676.3 and specifically the exon/intron harbouring this variant are not well expressed in any tissues. (I) 0251 - This variant is heterozygous. (I) 0301 - Variant is absent from gnomAD (both v2 and v3). (SP) 0311 - An alternative nucleotide change at the same canonical splice site is present in gnomAD (v3) (2 heterozygotes, 0 homozygotes). (I) 0505 - Abnormal splicing is predicted by in silico tools and affected nucleotide is highly conserved. (SP) 0705 - No comparable canonical splice site variants have previous evidence for pathogenicity. (I) 0807 - This variant has no previous evidence of pathogenicity. (I) 0905 - No published segregation evidence has been identified for this variant. (I) 1007 - No published functional evidence has been identified for this variant. (I) 1208 - Inheritance information for this variant is not currently available in this individual. (I) Legend: (SP) - Supporting pathogenic, (I) - Information, (SB) - Supporting benign

Literature cited by the submitters: PubMed 31858762.

NM_153676.4(USH1C):c.2013+1G>A

Gene: USH1C (USH1 protein network component harmonin; minus strand). Cytogenetic location: 11p15.1.
Variant type: single nucleotide variant.
Coding change: c.2013+1G>A on transcript NM_153676.4 (MANE Select); the canonical splice donor site of the intron after coding-DNA position 2013, G replaced by A.
Molecular consequence: splice donor variant. On other transcripts: intron variant (2).
Genome position (GRCh38, 1-based): chr11:17,509,355, C>T on the plus strand (G>A on the coding strand, the complement: USH1C is on the minus strand). VCF-style: chr11-17509355-C-T. GRCh37 (hg19) VCF-style: chr11-17530902-C-T.
Other names: c.1228-7375G>A (NM_001297764.2); c.1285-7375G>A (NM_005709.4).
Identifiers: ClinVar variation 3255108 (VCV003255108.1), dbSNP rs1232763172.